The following is an entry in ClinVar:

ClinVar aggregate classification (germline): Uncertain significance (1 of 4 stars; one submission).

Conditions:
Inborn genetic diseases. Identifiers: MedGen C0950123, MeSH D030342.

Allele frequency attached by ClinVar (database versions not stated): gnomAD 0.00001; gnomAD exomes 0.00001; 1000 Genomes Project 30x 0.00016.
gnomAD v4.1: 13 of 1,605,484 alleles (0.00081%); highest among the groups gnomAD compares: African/African-American, 0.0027%; no homozygotes.

Submission:

Ambry Genetics
Classification: Uncertain significance for Inborn genetic diseases. Last evaluated: 2021-03-30. Review status: criteria provided, single submitter. Criteria: Ambry Variant Classification Scheme 2023. Collection method: clinical testing. Allele origin: germline.
Comment: The p.R2795C variant (also known as c.8383C>T), located in coding exon 54 of the DST gene, results from a C to T substitution at nucleotide position 8383. The arginine at codon 2795 is replaced by cysteine, an amino acid with highly dissimilar properties. This variant is also known as p.R2291C (c.6871C>T) in the NM_015548.4 isoform. This amino acid position is poorly conserved in available vertebrate species. In addition, this alteration is predicted to be tolerated by in silico analysis. Since supporting evidence is limited at this time, the clinical significance of this alteration remains unclear.

NM_001374736.1(DST):c.14740C>T (p.Arg4914Cys)

Gene: DST (dystonin; minus strand). Cytogenetic location: 6p12.1.
Variant type: single nucleotide variant.
Coding change: c.14740C>T on transcript NM_001374736.1 (MANE Select); coding-DNA position 14740, C replaced by T.
Protein change: p.Arg4914Cys; replaces arginine 4914 with cysteine.
Molecular consequence: missense variant.
Genome position (GRCh38, 1-based): chr6:56,555,741, G>A on the plus strand (C>T on the coding strand, the complement: DST is on the minus strand). VCF-style: chr6-56555741-G-A. GRCh37 (hg19) VCF-style: chr6-56420539-G-A.
Other names: c.8383C>T, p.Arg2795Cys (NM_001144769.5); c.7969C>T, p.Arg2657Cys (NM_001144770.2); c.14740C>T, p.Arg4914Cys (NM_001374722.1); c.14107C>T, p.Arg4703Cys (NM_001374729.1); c.7849C>T, p.Arg2617Cys (NM_001374730.1, NM_001386100.1, NM_183380.4); c.14767C>T, p.Arg4923Cys (NM_001374734.1); c.6871C>T, p.Arg2291Cys (NM_015548.5); short protein forms R2291C, R2795C, R4914C, R4923C, R2617C, R4703C, R2657C.
Identifiers: ClinVar variation 1763170 (VCV001763170.2), dbSNP rs2152559945, ClinGen allele CA364519777.
Genomic context (GRCh38, chr6:56,555,741, plus strand): 5'-GCCCTGTTAGGCTATCCCATTTTTGGGTCACAGCTGCCAGTTGCTCTTTCACAATCCCAC[G>A]TAAAGAAGGGTCTTCTCCAGGCCTGCTCAGAATGCCCTGACCAGCTGCTGTCAGCTGTTC-3'
Protein context (NP_001361665.1, residues 4904-4924): LSRPGEDPSL[Arg4914Cys]GIVKEQLAAV